The following is an entry in ClinVar:

NM_177438.3(DICER1):c.1871G>A (p.Arg624Gln)

Gene: DICER1 (dicer 1, ribonuclease III; minus strand). Cytogenetic location: 14q32.13.
Variant type: single nucleotide variant.
Coding change: c.1871G>A on transcript NM_177438.3 (MANE Select); coding-DNA position 1871, G replaced by A.
Protein change: p.Arg624Gln; replaces arginine 624 with glutamine.
Molecular consequence: missense variant.
Genome position (GRCh38, 1-based): chr14:95,115,703, C>T on the plus strand (G>A on the coding strand, the complement: DICER1 is on the minus strand). VCF-style: chr14-95115703-C-T. GRCh37 (hg19) VCF-style: chr14-95582040-C-T.
Other names: c.1871G>A, p.Arg624Gln (NM_001195573.1, NM_001271282.3, NM_001291628.2 and 1 more transcripts); short protein forms R624Q.
Identifiers: ClinVar variation 581766 (VCV000581766.13), dbSNP rs753746305, ClinGen allele CA7331381.

ClinVar aggregate classification (germline): Uncertain significance. Review status: criteria provided, multiple submitters, no conflicts (2 of 4 stars). 3 submissions from 3 submitters: Uncertain significance (3). Last evaluated 2024-10-10.

Conditions:
DICER1-related tumor predisposition. Also called: DICER1 syndrome; DICER1-related pleuropulmonary blastoma cancer predisposition syndrome. Identifiers: Orphanet 284343, MedGen C3839822, MONDO:0100216.
Hereditary cancer-predisposing syndrome. Also called: Neoplastic Syndromes, Hereditary; Hereditary Cancer Syndrome; Tumor predisposition; Hereditary neoplastic syndrome. Identifiers: Orphanet 140162, MedGen C0027672, MeSH D009386, MONDO:0015356.

Allele frequency attached by ClinVar (database versions not stated): gnomAD exomes below 0.00001 and 0.00001; ExAC 0.00001; TOPMed 0.00001.
gnomAD v4.1: 4 of 1,614,090 alleles (0.00025%); highest among the groups gnomAD compares: South Asian, 0.0011%; no homozygotes.

Submissions (3):

Labcorp Genetics (formerly Invitae), Labcorp
Classification: Uncertain significance for DICER1-related tumor predisposition. Last evaluated: 2024-10-10. Review status: criteria provided, single submitter. Criteria: Invitae Variant Classification Sherloc (09022015). Collection method: clinical testing. Allele origin: germline.
Comment: This sequence change replaces arginine, which is basic and polar, with glutamine, which is neutral and polar, at codon 624 of the DICER1 protein (p.Arg624Gln). This variant is present in population databases (rs753746305, gnomAD 0.007%). This variant has not been reported in the literature in individuals affected with DICER1-related conditions. ClinVar contains an entry for this variant (Variation ID: 581766). Invitae Evidence Modeling of protein sequence and biophysical properties (such as structural, functional, and spatial information, amino acid conservation, physicochemical variation, residue mobility, and thermodynamic stability) indicates that this missense variant is not expected to disrupt DICER1 protein function with a negative predictive value of 95%. In summary, the available evidence is currently insufficient to determine the role of this variant in disease. Therefore, it has been classified as a Variant of Uncertain Significance.

Ambry Genetics
Classification: Uncertain significance for Hereditary cancer-predisposing syndrome. Last evaluated: 2024-10-03. Review status: criteria provided, single submitter. Criteria: Ambry Variant Classification Scheme 2023. Collection method: clinical testing. Allele origin: germline.
Comment: The p.R624Q variant (also known as c.1871G>A), located in coding exon 10 of the DICER1 gene, results from a G to A substitution at nucleotide position 1871. The arginine at codon 624 is replaced by glutamine, an amino acid with highly similar properties. This amino acid position is highly conserved in available vertebrate species. In addition, this alteration is predicted to be tolerated by in silico analysis. Based on the available evidence, the clinical significance of this variant remains unclear.

GeneDx
Classification: Uncertain significance. Last evaluated: 2023-03-06. Review status: criteria provided, single submitter. Criteria: GeneDx Variant Classification Process June 2021. Collection method: clinical testing. Allele origin: germline. Affected: yes.
Comment: Not observed at significant frequency in large population cohorts (gnomAD); In silico analysis supports that this missense variant does not alter protein structure/function; Has not been previously published as pathogenic or benign to our knowledge